The following is an entry in ClinVar:

NM_005732.4(RAD50):c.1760T>G (p.Ile587Ser)

Gene: RAD50 (RAD50 double strand break repair protein; plus strand). Cytogenetic location: 5q31.1.
Variant type: single nucleotide variant.
Coding change: c.1760T>G on transcript NM_005732.4 (MANE Select); coding-DNA position 1760, T replaced by G.
Protein change: p.Ile587Ser; replaces isoleucine 587 with serine.
Molecular consequence: missense variant.
Genome position (GRCh38, 1-based): chr5:132,592,001, T>G. VCF-style: chr5-132592001-T-G. GRCh37 (hg19) VCF-style: chr5-131927693-T-G.
Other names: short protein forms I587S.
Identifiers: ClinVar variation 486237 (VCV000486237.16), dbSNP rs769527393, ClinGen allele CA3405240.
Genomic context (GRCh38, chr5:132,592,001, plus strand): 5'-TGGGATATTTTCCCAACAAAAAACAGCTTGAAGACTGGCTACATAGTAAATCAAAAGAAA[T>G]TAATCAGACCAGGGACAGACTTGCCAAATTGAAGTAAGTTGCAACATTTGGAGATGTAAT-3'
Protein context (NP_005723.2, residues 577-597): EDWLHSKSKE[Ile587Ser]NQTRDRLAKL

ClinVar aggregate classification (germline): Uncertain significance. Review status: criteria provided, multiple submitters, no conflicts (2 of 4 stars). 2 submissions from 2 submitters: Uncertain significance (2). Last evaluated 2025-01-14.

Conditions:
Hereditary cancer-predisposing syndrome. Also called: Tumor predisposition; Hereditary Cancer Syndrome; Hereditary neoplastic syndrome; Neoplastic Syndromes, Hereditary. Identifiers: Orphanet 140162, MedGen C0027672, MeSH D009386, MONDO:0015356.

Allele frequency attached by ClinVar (database versions not stated): ExAC 0.00001; gnomAD 0.00001; TOPMed 0.00001.
gnomAD v4.1: 5 of 1,612,952 alleles (0.00031%); highest among the groups gnomAD compares: African/African-American, 0.0067%; no homozygotes.

Submissions (2):

Ambry Genetics
Classification: Uncertain significance for Hereditary cancer-predisposing syndrome. Last evaluated: 2025-01-14. Review status: criteria provided, single submitter. Criteria: Ambry Variant Classification Scheme 2023. Collection method: clinical testing. Allele origin: germline.
Comment: The p.I587S variant (also known as c.1760T>G), located in coding exon 11 of the RAD50 gene, results from a T to G substitution at nucleotide position 1760. The isoleucine at codon 587 is replaced by serine, an amino acid with dissimilar properties. This amino acid position is highly conserved in available vertebrate species. In addition, the in silico prediction for this alteration is inconclusive. Since supporting evidence is limited at this time, the clinical significance of this alteration remains unclear.

Labcorp Genetics (formerly Invitae), Labcorp
Classification: Uncertain significance for Hereditary cancer-predisposing syndrome. Last evaluated: 2020-06-03. Review status: criteria provided, single submitter. Criteria: Invitae Variant Classification Sherloc (09022015). Collection method: clinical testing. Allele origin: germline.
Comment: In summary, the available evidence is currently insufficient to determine the role of this variant in disease. Therefore, it has been classified as a Variant of Uncertain Significance. Algorithms developed to predict the effect of sequence changes on RNA splicing suggest that this variant may create or strengthen a splice site, but this prediction has not been confirmed by published transcriptional studies. Algorithms developed to predict the effect of missense changes on protein structure and function are either unavailable or do not agree on the potential impact of this missense change (SIFT: "Deleterious"; PolyPhen-2: "Possibly Damaging"; Align-GVGD: "Class C0"). This variant has not been reported in the literature in individuals with RAD50-related disease. ClinVar contains an entry for this variant (Variation ID: 486237). This variant is present in population databases (rs769527393, ExAC 0.01%). This sequence change replaces isoleucine with serine at codon 587 of the RAD50 protein (p.Ile587Ser). The isoleucine residue is highly conserved and there is a large physicochemical difference between isoleucine and serine.